The following is an entry in ClinVar:

ClinVar aggregate classification (germline): Conflicting classifications of pathogenicity. Review status: criteria provided, conflicting classifications (1 of 4 stars). 2 submissions from 2 submitters: Uncertain significance (1); Likely benign (1). Last evaluated 2023-02-12.

Conditions:
Early-infantile DEE. Also called: Ohtahara syndrome; Early infantile epileptic encephalopathy with suppression bursts; Early infantile epileptic encephalopathy. Identifiers: Orphanet 1934, MedGen C0393706, MONDO:0800491.

Allele frequency attached by ClinVar (database versions not stated): gnomAD exomes below 0.00001.
gnomAD v4.1: 2 of 1,608,208 alleles (0.00012%); highest among the groups gnomAD compares: Admixed American, 0.0034%; no homozygotes.

Submissions (2):

GeneDx
Classification: Uncertain significance. Last evaluated: 2023-02-12. Review status: criteria provided, single submitter. Criteria: GeneDx Variant Classification Process June 2021. Collection method: clinical testing. Allele origin: germline. Affected: yes.
Comment: Not observed at significant frequency in large population cohorts (gnomAD); Missense variants in this gene are often considered pathogenic (HGMD); In silico analysis supports that this missense variant does not alter protein structure/function; Has not been previously published as pathogenic or benign to our knowledge; This substitution is predicted to be with the C-terminal cytoplasmic domain

Labcorp Genetics (formerly Invitae), Labcorp
Classification: Likely benign for Early-infantile DEE. Last evaluated: 2019-09-21. Review status: criteria provided, single submitter. Criteria: Invitae Variant Classification Sherloc (09022015). Collection method: clinical testing. Allele origin: germline.

NM_001330260.2(SCN8A):c.5936A>C (p.Lys1979Thr)

Gene: SCN8A (sodium voltage-gated channel alpha subunit 8; plus strand). Cytogenetic location: 12q13.13.
Variant type: single nucleotide variant.
Coding change: c.5936A>C on transcript NM_001330260.2 (MANE Select); coding-DNA position 5936, A replaced by C.
Protein change: p.Lys1979Thr; replaces lysine 1979 with threonine.
Molecular consequence: missense variant.
Genome position (GRCh38, 1-based): chr12:51,807,422, A>C. VCF-style: chr12-51807422-A-C. GRCh37 (hg19) VCF-style: chr12-52201206-A-C.
Other names: c.5813A>C, p.Lys1938Thr (NM_001177984.3, NM_001369788.1); c.5936A>C, p.Lys1979Thr (NM_014191.4); short protein forms K1938T, K1979T.
Identifiers: ClinVar variation 833885 (VCV000833885.11), dbSNP rs1938739577, ClinGen allele CA384890735.